The following is an entry in ClinVar:

ClinVar aggregate classification (germline): Likely pathogenic. Review status: criteria provided, single submitter (1 of 4 stars). 3 submissions from 3 submitters: Likely pathogenic (1). 2 of the submissions do not count toward it.

Conditions:
Phenylketonuria (PKU). Also called: Phenylketonurias; OLIGOPHRENIA PHENYLPYRUVICA; FOLLING DISEASE; Phenylketonuria (PKU). Identifiers: Orphanet 716, MedGen C0031485, MONDO:0009861, OMIM 261600. Disease mechanism: loss of function.

Submissions (3):

Juno Genomics, Hangzhou Juno Genomics, Inc
Classification: Likely pathogenic for Phenylketonuria. Review status: criteria provided, single submitter. Criteria: ACMG Guidelines, 2015. Collection method: clinical testing. Allele origin: germline.
Comment: Absent from controls (or at extremely low frequency if recessive) in Genome Aggregation Database.;Novel missense change at an amino acid residue where a different missense change determined to be pathogenic has been seen before.;Multiple lines of computational evidence support a deleterious effect on the gene or gene product.

Natera, Inc.
Classification: Pathogenic for Phenylketonuria. Last evaluated: 2025-02-27. Review status: no assertion criteria provided. Collection method: clinical testing. Allele origin: germline. Not counted in ClinVar's aggregate classification.

DeBelle Laboratory for Biochemical Genetics, MUHC/MCH RESEARCH INSTITUTE
No classification provided. Review status: no classification provided. Collection method: not provided. Allele origin: not provided. Not counted in ClinVar's aggregate classification.

NM_000277.3(PAH):c.194T>G (p.Ile65Ser)

Gene: PAH (phenylalanine hydroxylase; minus strand). Cytogenetic location: 12q23.2.
Variant type: single nucleotide variant.
Coding change: c.194T>G on transcript NM_000277.3 (MANE Select); coding-DNA position 194, T replaced by G.
Protein change: p.Ile65Ser; replaces isoleucine 65 with serine.
Molecular consequence: missense variant.
Genome position (GRCh38, 1-based): chr12:102,894,893, A>C on the plus strand (T>G on the coding strand, the complement: PAH is on the minus strand). VCF-style: chr12-102894893-A-C. GRCh37 (hg19) VCF-style: chr12-103288671-A-C.
Other names: c.194T>G, p.Ile65Ser (NM_001354304.2); c.194T>G (NM_000277.2); short protein forms I65S.
Identifiers: ClinVar variation 102624 (VCV000102624.4), dbSNP rs75193786, ClinGen allele CA229480.
Genomic context (GRCh38, chr12:102,894,893, plus strand): 5'-TTATCCAAATGGGTGAAAAATTCATACTCATCTTTCTTTAAACGAGAAGGTCTAGATTCA[A>C]TGTGGGTCAGGTTTACATCATTCTCCTAGAAGAGAGAATGGGGAGGGTGAGGAGACAGTC-3'
Protein context (NP_000268.1, residues 55-75): FEENDVNLTH[Ile65Ser]ESRPSRLKKD